The following is an entry in ClinVar:

NM_001009944.3(PKD1):c.8054A>C (p.Lys2685Thr)

Gene: PKD1 (polycystin 1, transient receptor potential channel interacting; minus strand). Cytogenetic location: 16p13.3.
Variant type: single nucleotide variant.
Coding change: c.8054A>C on transcript NM_001009944.3 (MANE Select); coding-DNA position 8054, A replaced by C.
Protein change: p.Lys2685Thr; replaces lysine 2685 with threonine.
Molecular consequence: missense variant.
Genome position (GRCh38, 1-based): chr16:2,104,605, T>G on the plus strand (A>C on the coding strand, the complement: PKD1 is on the minus strand). VCF-style: chr16-2104605-T-G. GRCh37 (hg19) VCF-style: chr16-2154606-T-G.
Other names: c.8054A>C, p.Lys2685Thr (NM_000296.4); short protein forms K2685T.
Identifiers: ClinVar variation 4848426 (VCV004848426.1).

ClinVar aggregate classification (germline): Uncertain significance (1 of 4 stars; one submission).

Submission:

Women's Health and Genetics/Laboratory Corporation of America, LabCorp
Classification: Uncertain significance. Last evaluated: 2026-04-20. Review status: criteria provided, single submitter. Criteria: LabCorp Variant Classification Summary - May 2015. Collection method: clinical testing. Allele origin: germline.
Comment: Variant summary: PKD1 c.8054A>C (p.Lys2685Thr) results in a non-conservative amino acid change in the encoded protein sequence. Algorithms developed to predict the effect of missense changes on protein structure and function are either unavailable or do not agree on the potential impact of this missense change. The variant was absent in 153584 control chromosomes. The available data on variant occurrences in the general population are insufficient to allow any conclusion about variant significance. To our knowledge, no occurrence of c.8054A>C in individuals affected with PKD1-related conditions and no experimental evidence demonstrating its impact on protein function have been reported. No submitters have cited clinical-significance assessments for this variant to ClinVar. Based on the evidence outlined above, the variant was classified as uncertain significance.